The following is an entry in ClinVar:

ClinVar aggregate classification (germline): Benign/Likely benign. Review status: criteria provided, multiple submitters, no conflicts (2 of 4 stars). 7 submissions from 7 submitters: Benign (1); Likely benign (6). Last evaluated 2025-10-27.

Conditions:
Familial adenomatous polyposis 1 (FAP1). Also called: FAMILIAL ADENOMATOUS POLYPOSIS 1, ATTENUATED; POLYPOSIS, ADENOMATOUS INTESTINAL. Identifiers: MedGen C2713442, MONDO:0021056, OMIM 175100. Disease mechanism: loss of function.
Classic or attenuated familial adenomatous polyposis. Identifiers: MedGen CN372698, MONDO:0021057.
Hereditary cancer-predisposing syndrome. Also called: Tumor predisposition; Hereditary Cancer Syndrome; Hereditary neoplastic syndrome; Neoplastic Syndromes, Hereditary. Identifiers: Orphanet 140162, MedGen C0027672, MeSH D009386, MONDO:0015356.

Allele frequency attached by ClinVar (database versions not stated): gnomAD exomes below 0.00001; TOPMed 0.00001.
gnomAD v4.1: 4 of 1,614,066 alleles (0.00025%); highest among the groups gnomAD compares: Non-Finnish European, 0.00017%; no homozygotes.

Submissions (7):

Labcorp Genetics (formerly Invitae), Labcorp
Classification: Likely benign for Familial adenomatous polyposis 1. Last evaluated: 2025-10-27. Review status: criteria provided, single submitter. Criteria: Invitae Variant Classification Sherloc (09022015). Collection method: clinical testing. Allele origin: germline.

CeGaT Center for Human Genetics Tuebingen
Classification: Likely benign. Last evaluated: 2024-07-01. Review status: criteria provided, single submitter. Criteria: CeGaT Center For Human Genetics Tuebingen Variant Classification Criteria Version 2. Collection method: clinical testing. Allele origin: germline. Affected: yes. Observed: 1 variant allele.
Comment: APC: BP4, BP7

Myriad Genetics, Inc.
Classification: Benign for Familial adenomatous polyposis 1. Last evaluated: 2024-04-05. Review status: criteria provided, single submitter. Criteria: Myriad Autosomal Dominant, Autosomal Recessive and X-Linked Classification Criteria (2023). Collection method: clinical testing. Allele origin: unknown.
Comment: This variant is considered benign. This variant is a silent/synonymous amino acid change and it is not expected to impact splicing.

All of Us Research Program, National Institutes of Health
Classification: Likely benign for Classic or attenuated familial adenomatous polyposis. Last evaluated: 2023-06-26. Review status: criteria provided, single submitter. Criteria: ACMG Guidelines, 2015. Collection method: clinical testing. Allele origin: germline. Inheritance: Autosomal dominant inheritance. Observed: 5 variant alleles, 5 heterozygotes.
Comment: This study involves interpretation of variants in research participants for the purpose of population health screening. Participant phenotype was not available at the time of variant classification. Additional details can be found in publication PMID: 35346344, PMCID: PMC8962531

GeneDx
Classification: Likely benign. Last evaluated: 2019-09-25. Review status: criteria provided, single submitter. Criteria: GeneDx Variant Classification Process June 2021. Collection method: clinical testing. Allele origin: germline. Affected: yes.
Comment: Not observed at a significant frequency in large population cohorts (Lek 2016)

Color Diagnostics, LLC DBA Color Health
Classification: Likely benign for Hereditary cancer-predisposing syndrome. Last evaluated: 2017-11-14. Review status: criteria provided, single submitter. Criteria: ACMG Guidelines, 2015. Collection method: clinical testing. Allele origin: germline.

Ambry Genetics
Classification: Likely benign for Hereditary cancer-predisposing syndrome. Last evaluated: 2015-12-10. Review status: criteria provided, single submitter. Criteria: Ambry Variant Classification Scheme 2023. Collection method: clinical testing. Allele origin: germline.

NM_000038.6(APC):c.6813T>C (p.Pro2271=)

Gene: APC (APC regulator of Wnt signaling pathway; plus strand). Cytogenetic location: 5q22.2.
Variant type: single nucleotide variant.
Coding change: c.6813T>C on transcript NM_000038.6 (MANE Select); coding-DNA position 6813, T replaced by C.
Protein change: p.Pro2271=; no amino-acid change (proline 2271 retained).
Molecular consequence: synonymous variant.
Genome position (GRCh38, 1-based): chr5:112,842,407, T>C. VCF-style: chr5-112842407-T-C. GRCh37 (hg19) VCF-style: chr5-112178104-T-C.
Other names: c.6813T>C, p.Pro2271= (NM_001127510.3, NM_001354895.2); c.6759T>C, p.Pro2253= (NM_001127511.3); c.6867T>C, p.Pro2289= (NM_001354896.2); c.6843T>C, p.Pro2281= (NM_001354897.2); c.6738T>C, p.Pro2246= (NM_001354898.2); c.6729T>C, p.Pro2243= (NM_001354899.2); c.6690T>C, p.Pro2230= (NM_001354900.2); c.6636T>C, p.Pro2212= (NM_001354901.2); and 5 more.
Identifiers: ClinVar variation 378950 (VCV000378950.40), dbSNP rs1057520427, ClinGen allele CA16605187.
Genomic context (GRCh38, chr5:112,842,407, plus strand): 5'-ACCCCTTAAGACTCCAGCCTCCAAAAGCCCTAGTGAAGGTCAAACAGCCACCACTTCTCC[T>C]AGAGGAGCCAAGCCATCTGTGAAATCAGAATTAAGCCCTGTTGCCAGGCAGACATCCCAA-3'
Protein context (NP_000029.2, residues 2261-2281): PSEGQTATTS[Pro2271=]RGAKPSVKSE